The following is an entry in ClinVar:

ClinVar aggregate classification (germline): Uncertain significance (1 of 4 stars; one submission).

Conditions:
Familial thoracic aortic aneurysm and aortic dissection (TAAD). Also called: Thoracic aortic aneurysms and dissections. Identifiers: Orphanet 91387, MedGen C4707243, MONDO:0019625.

Submission:

Color Diagnostics, LLC DBA Color Health
Classification: Uncertain significance for Familial thoracic aortic aneurysm and aortic dissection. Last evaluated: 2023-12-04. Review status: criteria provided, single submitter. Criteria: ACMG Guidelines, 2015. Collection method: clinical testing. Allele origin: germline.
Comment: Variant of Uncertain Significance due to insufficient evidence: This missense variant is located in the coiled coil myosin tail domain of the MYH11 protein. Computational prediction tools and conservation analyses are inconclusive regarding the impact of this variant on the protein function. Computational splicing tools suggest that this variant may not impact RNA splicing. To our knowledge, functional assays have not been performed for this variant nor has this variant been reported in individuals affected with cardiovascular disorders in the literature. This variant is rare in the general population and has been identified in 0/277264 chromosomes by the Genome Aggregation Database (gnomAD). Available evidence is insufficient to determine the role of this variant in disease conclusively.

NM_002474.3(MYH11):c.4305T>A (p.Asp1435Glu)

Genes: MYH11 (myosin heavy chain 11; minus strand), NDE1 (nudE neurodevelopment protein 1; plus strand). Cytogenetic location: 16p13.11.
Variant type: single nucleotide variant.
Coding change: c.4305T>A on transcript NM_002474.3 (MANE Select); coding-DNA position 4305, T replaced by A.
Protein change: p.Asp1435Glu; replaces aspartic acid 1435 with glutamic acid.
Molecular consequence: missense variant.
Genome position (GRCh38, 1-based): chr16:15,724,221, A>T on the plus strand (T>A on the coding strand, the complement: MYH11 is on the minus strand). VCF-style: chr16-15724221-A-T. GRCh37 (hg19) VCF-style: chr16-15818078-A-T.
Other names: c.4326T>A, p.Asp1442Glu (NM_001040113.2, NM_001040114.2); c.4305T>A, p.Asp1435Glu (NM_022844.3); c.978A>T, p.Lys326Asn (NM_001143979.2, NM_017668.3); short protein forms D1442E, D1435E, K326N.
Identifiers: ClinVar variation 918236 (VCV000918236.5), dbSNP rs2040629877, ClinGen allele CA394857047.